The following is an entry in ClinVar:

ClinVar aggregate classification (germline): Likely pathogenic (1 of 4 stars; one submission).

Conditions:
Mitochondrial myopathy-lactic acidosis-deafness syndrome. Identifiers: Orphanet 2597, MedGen C1855033, MONDO:0016825, OMIM 251950.

Submission:

Rady Children's Institute for Genomic Medicine, Rady Children's Hospital San Diego
Classification: Likely pathogenic for MITOCHONDRIAL MYOPATHY WITH LACTIC ACIDOSIS. Review status: criteria provided, single submitter. Criteria: ACMG Guidelines, 2015. Collection method: clinical testing. Allele origin: germline. Affected: yes.
Comment: This frameshifting variant in exon 8 of 12 is predicted to result in loss of normal protein function through either protein truncation or nonsense-mediated mRNA decay. This variant has not been previously reported or functionally characterized in the literature to our knowledge. It is absent from the gnomAD population database and thus presumed to be rare. Based on the available evidence, the c.1615_1617delinsGG (p.Asn539GlyfsTer11) variant is classified as Likely Pathogenic.

NM_001256007.3(PNPLA8):c.1614_1615insGG (p.Asn539fs)

Gene: PNPLA8 (patatin like domain 8, phospholipase A2; minus strand). Cytogenetic location: 7q31.1.
Variant type: Insertion.
Coding change: c.1614_1615insGG on transcript NM_001256007.3 (MANE Select); coding-DNA positions 1614 to 1615, GG inserted.
Protein change: p.Asn539fs; shifts the reading frame from asparagine 539.
Molecular consequence: frameshift variant.
Genome position: GRCh38 VCF-style: chr7-108496594-T-TCC. GRCh37 (hg19) VCF-style: chr7-108137038-T-TCC.
Other names: c.1614_1615insGG, p.Asn539fs (NM_001256008.3, NM_001256009.3, NM_015723.5); c.1314_1315insGG, p.Asn439fs (NM_001256010.3, NM_001256011.3); short protein forms N439fs, N539fs.
Identifiers: ClinVar variation 2584537 (VCV002584537.1), dbSNP rs1861563628, ClinGen allele CA1733123720.